The following is an entry in ClinVar:

NM_018896.5(CACNA1G):c.1624C>G (p.Leu542Val)

Gene: CACNA1G (calcium voltage-gated channel subunit alpha1 G; plus strand). Cytogenetic location: 17q21.33.
Variant type: single nucleotide variant.
Coding change: c.1624C>G on transcript NM_018896.5 (MANE Select); coding-DNA position 1624, C replaced by G.
Protein change: p.Leu542Val; replaces leucine 542 with valine.
Molecular consequence: missense variant. On other transcripts: non-coding transcript variant (5).
Genome position (GRCh38, 1-based): chr17:50,576,026, C>G. VCF-style: chr17-50576026-C-G. GRCh37 (hg19) VCF-style: chr17-48653387-C-G.
Other names: c.1624C>G, p.Leu542Val (NM_001256324.2, NM_001256325.2, NM_001256326.2 and 24 more transcripts); short protein forms L542V.
Identifiers: ClinVar variation 4883365 (VCV004883365.2).

ClinVar aggregate classification (germline): Uncertain significance (1 of 4 stars; one submission).

gnomAD v4.1: 1 of 1,566,566 alleles (0.000064%); highest among the groups gnomAD compares: Non-Finnish European, 0.000086%; no homozygotes.

Submission:

Dasa
Classification: Uncertain significance. Last evaluated: 2024-12-19. Review status: criteria provided, single submitter. Criteria: DASA Assertion Criteria. Collection method: clinical testing. Allele origin: germline.
Comment: NM_018896.5(CACNA1G):c.1624C>G (p.Leu542Val) is a missense variant that results in the substitution of leucine with valine. This variant is rare in population databases. Computational prediction algorithms are consistent with a benign effect. The currently available literature and clinical evidence are not sufficient to establish a definitive association between this variant and the reported condition. Therefore, this variant is classified as a variant of uncertain significance.